The following is an entry in ClinVar:

ClinVar aggregate classification (germline): Conflicting classifications of pathogenicity. Review status: criteria provided, conflicting classifications (1 of 4 stars). 5 submissions from 5 submitters: Uncertain significance (4); Likely benign (1). Last evaluated 2025-09-10.

Conditions:
Inborn genetic diseases. Identifiers: MedGen C0950123, MeSH D030342.
CREBBP-related disorder. Also called: CREBBP-related disorders; CREBBP-related condition.
Rubinstein-Taybi syndrome due to CREBBP mutations (RSTS1). Also called: CREBBP-Related Rubinstein-Taybi Syndrome; RUBINSTEIN-TAYBI SYNDROME 1, INCOMPLETE; BROAD THUMB-HALLUX SYNDROME; RUBINSTEIN SYNDROME; BROAD THUMBS AND GREAT TOES, CHARACTERISTIC FACIES, AND IMPAIRED INTELLECTUAL DEVELOPMENT; Rubinstein-Taybi syndrome 1. Identifiers: Orphanet 353277, Orphanet 783, MedGen C4551859, MONDO:0008393, OMIM 180849.
Menke-Hennekam syndrome 1 (MKHK1). Identifiers: MedGen C5193034, MONDO:0020763, OMIM 618332.
Rubinstein-Taybi syndrome (RSTS). Identifiers: Orphanet 783, MedGen C0035934, MONDO:0019188.

Submissions (5):

PreventionGenetics, part of Exact Sciences
Classification: Uncertain significance for CREBBP-related condition. Last evaluated: 2025-09-10. Review status: criteria provided, single submitter. Criteria: ACMG Guidelines, 2015. Collection method: clinical testing. Allele origin: germline.
Comment: The CREBBP c.6603_6608del6 variant is predicted to result in an in-frame deletion (p.Gln2215_Gln2216del). This variant has been reported as a variant of uncertain significance in an individual with Rubinstein-Taybi syndrome who presented with extensive keloid formation (Kim et al. 2023. PubMed ID: 37853858). This variant is reported in 0.0064% of alleles in individuals of African descent in gnomAD. At this time, the clinical significance of this variant is uncertain due to the absence of conclusive functional and genetic evidence.

Labcorp Genetics (formerly Invitae), Labcorp
Classification: Uncertain significance for Rubinstein-Taybi syndrome. Last evaluated: 2025-04-20. Review status: criteria provided, single submitter. Criteria: Invitae Variant Classification Sherloc (09022015). Collection method: clinical testing. Allele origin: germline.
Comment: This variant, c.6603_6608del, results in the deletion of 2 amino acid(s) of the CREBBP protein (p.Gln2215_Gln2216del), but otherwise preserves the integrity of the reading frame. The frequency data for this variant in the population databases is considered unreliable, as metrics indicate poor data quality at this position in the gnomAD database. This variant has been observed in individual(s) with Rubinstein–Taybi syndrome (PMID: 37853858). ClinVar contains an entry for this variant (Variation ID: 1309057). Experimental studies and prediction algorithms are not available or were not evaluated, and the functional significance of this variant is currently unknown. In summary, the available evidence is currently insufficient to determine the role of this variant in disease. Therefore, it has been classified as a Variant of Uncertain Significance.

Ambry Genetics
Classification: Likely benign for Inborn genetic diseases. Last evaluated: 2024-10-25. Review status: criteria provided, single submitter. Criteria: Ambry Variant Classification Scheme 2023. Collection method: clinical testing. Allele origin: germline.

Fulgent Genetics
Classification: Uncertain significance for Rubinstein-Taybi syndrome due to CREBBP mutations; Menke-Hennekam syndrome 1. Last evaluated: 2024-06-20. Review status: criteria provided, single submitter. Criteria: ACMG Guidelines, 2015. Collection method: clinical testing. Allele origin: germline.

GeneDx
Classification: Uncertain significance. Last evaluated: 2022-11-16. Review status: criteria provided, single submitter. Criteria: GeneDx Variant Classification Process June 2021. Collection method: clinical testing. Allele origin: germline. Affected: yes.
Comment: In silico analysis supports a deleterious effect on protein structure/function; In-frame deletion of 2 amino acids in a repetitive region with no known function; Has not been previously published as pathogenic or benign to our knowledge

Literature cited by the submitters: PubMed 37853858 (cited by Labcorp Genetics (formerly Invitae), Labcorp).

NM_004380.3(CREBBP):c.6594GCA[3] (p.Gln2215_Gln2216del)

Gene: CREBBP (CREB binding lysine acetyltransferase; minus strand). Cytogenetic location: 16p13.3.
Variant type: Microsatellite.
Coding change: c.6594GCA[3] on transcript NM_004380.3 (MANE Select); three copies in a row of the 3-base unit GCA starting at c.6594; the reference has five copies in a row; two copies, 6 bases deleted; also written c.6603_6608del.
Protein change: p.Gln2215_Gln2216del.
Molecular consequence: inframe deletion.
Genome position (GRCh38, 1-based): chr16:3,728,439-3,728,444, TGCTGC deleted on the plus strand (GCAGCA on the coding strand, the reverse complement: CREBBP is on the minus strand); deleting any 6 consecutive bases within chr16:3,728,439-3,728,453 gives the same sequence; the position shown is the placement nearest the transcript's 3' end. VCF-style (leftmost placement, unchanged base first): chr16-3728438-TTGCTGC-T. GRCh37 (hg19) VCF-style: chr16-3778439-TTGCTGC-T.
Other names: c.6480GCA[3], p.Gln2177_Gln2178del (NM_001079846.1); c.6603_6608del (NM_004380.3); c.6603_6608del6 (NM_004380.2).
Identifiers: ClinVar variation 1309057 (VCV001309057.11), dbSNP rs746121736, ClinGen allele CA7869066.